The following is an entry in ClinVar:

NM_032043.3(BRIP1):c.558del (p.Val187fs)

Gene: BRIP1 (BRCA1 interacting DNA helicase 1; minus strand). Cytogenetic location: 17q23.2.
Variant type: Deletion.
Coding change: c.558del on transcript NM_032043.3 (MANE Select); coding-DNA position 558, one base deleted (A; older notation c.558delA).
Protein change: p.Val187fs; shifts the reading frame from valine 187.
Molecular consequence: frameshift variant.
Genome position (GRCh38, 1-based): chr17:61,847,170, T deleted on the plus strand (A on the coding strand, the reverse complement: BRIP1 is on the minus strand); the first of 4 consecutive T bases (chr17:61,847,170-61,847,173); deleting any one gives the same sequence. VCF-style (leftmost placement, unchanged base first): chr17-61847169-CT-C. GRCh37 (hg19) VCF-style: chr17-59924530-CT-C.
Other names: short protein forms V187fs.
Identifiers: ClinVar variation 2583695 (VCV002583695.2), dbSNP rs2545406592, ClinGen allele CA2582342230.

ClinVar aggregate classification (germline): Pathogenic (1 of 4 stars; one submission).

Conditions:
Familial cancer of breast. Also called: Hereditary breast cancer; BREAST CANCER, FAMILIAL; hereditary breast carcinoma. Identifiers: Orphanet 227535, MedGen C0346153, MONDO:0016419, OMIM 114480. Disease mechanism: loss of function.

Submission:

Myriad Genetics, Inc.
Classification: Pathogenic for Familial cancer of breast. Last evaluated: 2023-05-31. Review status: criteria provided, single submitter. Criteria: Myriad Autosomal Dominant, Autosomal Recessive and X-Linked Classification Criteria (2023). Collection method: clinical testing. Allele origin: unknown.
Comment: This variant is considered pathogenic. This variant creates a frameshift predicted to result in premature protein truncation.